The following is an entry in ClinVar:

NM_000038.6(APC):c.7513C>T (p.Arg2505Ter)

Gene: APC (APC regulator of Wnt signaling pathway; plus strand). Cytogenetic location: 5q22.2.
Variant type: single nucleotide variant.
Coding change: c.7513C>T on transcript NM_000038.6 (MANE Select); coding-DNA position 7513, C replaced by T.
Protein change: p.Arg2505Ter; replaces arginine 2505 with a stop codon.
Molecular consequence: nonsense.
Genome position (GRCh38, 1-based): chr5:112,843,107, C>T. VCF-style: chr5-112843107-C-T. GRCh37 (hg19) VCF-style: chr5-112178804-C-T.
Other names: c.7513C>T, p.Arg2505Ter (NM_001127510.3, NM_001354895.2); c.7459C>T, p.Arg2487Ter (NM_001127511.3); c.7567C>T, p.Arg2523Ter (NM_001354896.2); c.7543C>T, p.Arg2515Ter (NM_001354897.2); c.7438C>T, p.Arg2480Ter (NM_001354898.2); c.7429C>T, p.Arg2477Ter (NM_001354899.2); c.7390C>T, p.Arg2464Ter (NM_001354900.2); c.7336C>T, p.Arg2446Ter (NM_001354901.2); and 5 more; short protein forms R2379*, R2480*, R2487*, R2505*, R2515*, R2222*, R2404*, R2446*.
Identifiers: ClinVar variation 872347 (VCV000872347.88), dbSNP rs79630786, ClinGen allele CA16037666.
Genomic context (GRCh38, chr5:112,843,107, plus strand): 5'-AGTCCTTCCCTTCCTGATATGTCTCTATCCACACATTCGTCTGTTCAGGCTGGTGGATGG[C>T]GAAAACTCCCACCTAATCTCAGTCCCACTATAGAGTATAATGATGGAAGACCAGCAAAGC-3'

ClinVar aggregate classification (germline): Pathogenic/Likely pathogenic. Review status: criteria provided, multiple submitters, no conflicts (2 of 4 stars). 7 submissions from 7 submitters: Pathogenic (3); Likely pathogenic (4). Last evaluated 2025-12-18.

Conditions:
Familial multiple polyposis syndrome (FAP). Also called: Familial polyposis; Classic familial adenomatous polyposis; Familial Adenomatous Polyposis (FAP); Familial adenomatous polyposis; Familial intestinal polyposis. Identifiers: Orphanet 733, MedGen C0032580, MONDO:0021055. Disease mechanism: loss of function.
Familial adenomatous polyposis 1 (FAP1). Also called: FAMILIAL ADENOMATOUS POLYPOSIS 1, ATTENUATED; POLYPOSIS, ADENOMATOUS INTESTINAL. Identifiers: MedGen C2713442, MONDO:0021056, OMIM 175100. Disease mechanism: loss of function.
Hereditary cancer-predisposing syndrome. Also called: Hereditary Cancer Syndrome; Tumor predisposition; Hereditary neoplastic syndrome; Neoplastic Syndromes, Hereditary. Identifiers: Orphanet 140162, MedGen C0027672, MeSH D009386, MONDO:0015356.

Allele frequency attached by ClinVar (database versions not stated): gnomAD exomes below 0.00001.
gnomAD v4.1: 3 of 1,613,892 alleles (0.00019%); highest among the groups gnomAD compares: Non-Finnish European, 0.00017%; no homozygotes.

Submissions (7):

Ambry Genetics
Classification: Likely pathogenic for Hereditary cancer-predisposing syndrome. Last evaluated: 2025-12-18. Review status: criteria provided, single submitter. Criteria: Ambry Variant Classification Scheme 2023. Collection method: clinical testing. Allele origin: germline.
Comment: The p.R2505* variant (also known as c.7513C>T), located in coding exon 15 of the APC gene, results from a C to T substitution at nucleotide position 7513. This changes the amino acid from an arginine to a stop codon within coding exon 15. This alteration occurs at the 3' terminus of the APC gene, is not expected to trigger nonsense-mediated mRNA decay, and impacts the last 339 amino acids of the protein. However, premature stop codons are typically deleterious in nature and the impacted region is critical for protein function (Ambry internal data). This variant is considered to be rare based on population cohorts in the Genome Aggregation Database (gnomAD). Based on the majority of available evidence to date, this variant is likely to be pathogenic.

Color Diagnostics, LLC DBA Color Health
Classification: Pathogenic for Hereditary cancer-predisposing syndrome. Last evaluated: 2025-07-21. Review status: criteria provided, single submitter. Criteria: ACMG Guidelines, 2015. Collection method: clinical testing. Allele origin: germline.
Comment: This variant changes 1 nucleotide in exon 16 of the APC gene, creating a premature translation stop signal in the last coding exon. This variant is predicted to escape nonsense-mediated decay but removes 339 C-terminal amino acids and is expected to result in a non-functional protein product. Numerous truncation variants C-terminal to this variant are classified as Pathogenic in ClinVar. This variant has been reported in an individual affected with familial adenomatous polyposis in the literature (DOI:10.1136/gutjnl-2022-BSG.296). This variant has not been identified in the general population by the Genome Aggregation Database (gnomAD). Loss of APC function is a known mechanism of disease. Based on the available evidence, this variant is classified as Pathogenic.

Labcorp Genetics (formerly Invitae), Labcorp
Classification: Pathogenic for Familial adenomatous polyposis 1. Last evaluated: 2024-08-04. Review status: criteria provided, single submitter. Criteria: Invitae Variant Classification Sherloc (09022015). Collection method: clinical testing. Allele origin: germline.
Comment: This sequence change creates a premature translational stop signal (p.Arg2505*) in the APC gene. While this is not anticipated to result in nonsense mediated decay, it is expected to disrupt the last 339 amino acid(s) of the APC protein. This variant is not present in population databases (gnomAD no frequency). This variant has not been reported in the literature in individuals affected with APC-related conditions. ClinVar contains an entry for this variant (Variation ID: 872347). RNA analysis performed to evaluate the impact of this premature translational stop signal on mRNA splicing indicates it does not significantly alter splicing (Invitae). This variant is expected to disrupt the EB1 and HDLG binding sites, which mediate interactions with the cytoskeleton (PMID: 15311282, 17293347). While functional studies have not been performed to directly test the effect on APC protein function, this suggests that disruption of the C-terminal portion of the protein is functionally important. A different truncation (p.Tyr2645Lysfs*14) that lies downstream of this variant has been determined to be pathogenic (PMID: 9824584, 1316610, 27081525, 8381579, 22135120, Invitae). This suggests that deletion of this region of the APC protein is causative of disease. For these reasons, this variant has been classified as Pathogenic.

Myriad Genetics, Inc.
Classification: Pathogenic for Familial adenomatous polyposis 1. Last evaluated: 2023-05-16. Review status: criteria provided, single submitter. Criteria: Myriad Autosomal Dominant, Autosomal Recessive and X-Linked Classification Criteria (2023). Collection method: clinical testing. Allele origin: unknown.
Comment: This variant is considered pathogenic. This variant creates a termination codon and is predicted to result in premature protein truncation.

Baylor Genetics
Classification: Likely pathogenic for Familial adenomatous polyposis 1. Last evaluated: 2023-04-13. Review status: criteria provided, single submitter. Criteria: ACMG Guidelines, 2015. Collection method: clinical testing. Allele origin: unknown.

Women's Health and Genetics/Laboratory Corporation of America, LabCorp
Classification: Likely pathogenic for Familial multiple polyposis syndrome. Last evaluated: 2023-04-07. Review status: criteria provided, single submitter. Criteria: LabCorp Variant Classification Summary - May 2015. Collection method: clinical testing. Allele origin: germline.
Comment: Variant summary: APC c.7513C>T (p.Arg2505X) results in a premature termination codon, predicted to cause a truncation of the encoded protein, which is a commonly known mechanism for disease. Truncations downstream of this position are classified as pathogenic in ClinVar. The variant was absent in 251184 control chromosomes. c.7513C>T has been reported in the literature in a colorectal cancer patient sample without evidence of a germline origin (Elez_2022). This report does not provide unequivocal conclusions about association of the variant with Familial Adenomatous Polyposis. To our knowledge, no experimental evidence demonstrating an impact on protein function has been reported. Three submitters have provided clinical-significance assessments for this variant to ClinVar after 2014 without evidence for independent evaluation, and classified the variant as likely pathogenic. Based on the evidence outlined above, the variant was classified as likely pathogenic.

CeGaT Center for Human Genetics Tuebingen
Classification: Likely pathogenic. Last evaluated: 2019-10-01. Review status: criteria provided, single submitter. Criteria: CeGaT Center For Human Genetics Tuebingen Variant Classification Criteria Version 2. Collection method: clinical testing. Allele origin: germline. Affected: yes. Observed: 2 variant alleles.

Literature cited by the submitters: PubMed 15311282 (cited by Labcorp Genetics (formerly Invitae), Labcorp); PubMed 17293347 (cited by Labcorp Genetics (formerly Invitae), Labcorp); PubMed 9824584 (cited by Labcorp Genetics (formerly Invitae), Labcorp); PubMed 1316610 (cited by Labcorp Genetics (formerly Invitae), Labcorp); PubMed 27081525 (cited by Labcorp Genetics (formerly Invitae), Labcorp); PubMed 8381579 (cited by Labcorp Genetics (formerly Invitae), Labcorp); PubMed 22135120 (cited by Labcorp Genetics (formerly Invitae), Labcorp); PubMed 36097219 (cited by Women's Health and Genetics/Laboratory Corporation of America, LabCorp).